The following is an entry in ClinVar:

NM_032242.4(PLXNA1):c.5385A>G (p.Ser1795=)

Gene: PLXNA1 (plexin A1; plus strand). Cytogenetic location: 3q21.3.
Variant type: single nucleotide variant.
Coding change: c.5385A>G on transcript NM_032242.4 (MANE Select); coding-DNA position 5385, A replaced by G.
Protein change: p.Ser1795=; no amino-acid change (serine 1795 retained).
Molecular consequence: synonymous variant.
Genome position (GRCh38, 1-based): chr3:127,032,540, A>G. VCF-style: chr3-127032540-A-G. GRCh37 (hg19) VCF-style: chr3-126751383-A-G.
Identifiers: ClinVar variation 4979555 (VCV004979555.1).
Genomic context (GRCh38, chr3:127,032,540, plus strand): 5'-GGTGGCCCAGACCTTCATGGACTCCTGCTCCACCTCTGAGCACAAGCTGGGCAAGGACTC[A>G]CCCTCCAACAAGCTGCTCTACGCCAAGGACATCCCCAACTACAAGAGCTGGGTGGAGAGG-3'
Protein context (NP_115618.3, residues 1785-1805): STSEHKLGKD[Ser1795=]PSNKLLYAKD

ClinVar aggregate classification (germline): Likely benign (1 of 4 stars; one submission).

Conditions:
PLXNA1-related disorder. Also called: PLXNA1-related condition.

Submission:

PreventionGenetics, part of Exact Sciences
Classification: Likely benign for PLXNA1-related condition. Last evaluated: 2026-09-22. Review status: criteria provided, single submitter. Criteria: ACMG Guidelines, 2015. Collection method: clinical testing. Allele origin: germline.
Comment: This variant is classified as likely benign based on ACMG/AMP sequence variant interpretation guidelines (Richards et al. 2015 PMID: 25741868, with internal and published modifications).